The following is an entry in ClinVar:

NM_152703.5(SAMD9L):c.1202T>G (p.Leu401Arg)

Gene: SAMD9L (sterile alpha motif domain containing 9 like; minus strand). Cytogenetic location: 7q21.2.
Variant type: single nucleotide variant.
Coding change: c.1202T>G on transcript NM_152703.5 (MANE Select); coding-DNA position 1202, T replaced by G.
Protein change: p.Leu401Arg; replaces leucine 401 with arginine.
Molecular consequence: missense variant.
Genome position (GRCh38, 1-based): chr7:93,134,770, A>C on the plus strand (T>G on the coding strand, the complement: SAMD9L is on the minus strand). VCF-style: chr7-93134770-A-C. GRCh37 (hg19) VCF-style: chr7-92764083-A-C.
Other names: c.1202T>G, p.Leu401Arg (NM_001303496.3, NM_001303497.3, NM_001303498.3 and 5 more transcripts); short protein forms L401R.
Identifiers: ClinVar variation 3792474 (VCV003792474.1).
Genomic context (GRCh38, chr7:93,134,770, plus strand): 5'-GTTACAAGAATGTACCAGTCATAGTATGAATTATCCAGTGAGTCTCGGTTTCCTATGAGA[A>C]GTTTAACCAGCTTTAGTCCTTCACTCTCCTTCTTCATTGCCTTCATTCCATACTCTTCTT-3'
Protein context (NP_689916.2, residues 391-411): KESEGLKLVK[Leu401Arg]LIGNRDSLDN

ClinVar aggregate classification (germline): Uncertain significance (1 of 4 stars; one submission).

Conditions:
Inborn genetic diseases. Identifiers: MedGen C0950123, MeSH D030342.

Submission:

Ambry Genetics
Classification: Uncertain significance for Inborn genetic diseases. Last evaluated: 2025-03-01. Review status: criteria provided, single submitter. Criteria: Ambry Variant Classification Scheme 2023. Collection method: clinical testing. Allele origin: germline.
Comment: The p.L401R variant (also known as c.1202T>G), located in coding exon 1 of the SAMD9L gene, results from a T to G substitution at nucleotide position 1202. The leucine at codon 401 is replaced by arginine, an amino acid with dissimilar properties. This amino acid position is conserved. In addition, the in silico prediction for this alteration is inconclusive. Based on the available evidence, the clinical significance of this variant remains unclear.